The following is an entry in ClinVar:

NM_000535.7(PMS2):c.2422G>C (p.Ala808Pro)

Gene: PMS2 (PMS1 homolog 2, mismatch repair system component; minus strand). Cytogenetic location: 7p22.1.
Variant type: single nucleotide variant.
Coding change: c.2422G>C on transcript NM_000535.7 (MANE Select); coding-DNA position 2422, G replaced by C.
Protein change: p.Ala808Pro; replaces alanine 808 with proline.
Molecular consequence: missense variant. On other transcripts: non-coding transcript variant (1).
Genome position (GRCh38, 1-based): chr7:5,977,611, C>G on the plus strand (G>C on the coding strand, the complement: PMS2 is on the minus strand). VCF-style: chr7-5977611-C-G. GRCh37 (hg19) VCF-style: chr7-6017242-C-G.
Other names: c.2017G>C, p.Ala673Pro (NM_001322003.2, NM_001322004.2, NM_001322005.2); c.2266G>C, p.Ala756Pro (NM_001322006.2); c.2104G>C, p.Ala702Pro (NM_001322007.2, NM_001322008.2); c.2050G>C, p.Ala684Pro (NM_001322009.2); c.1861G>C, p.Ala621Pro (NM_001322010.2); c.1489G>C, p.Ala497Pro (NM_001322011.2, NM_001322012.2); c.1849G>C, p.Ala617Pro (NM_001322013.2); c.2455G>C, p.Ala819Pro (NM_001322014.2); and 1 more; short protein forms A617P, A705P, A673P, A702P, A497P, A621P, A819P, A684P.
Identifiers: ClinVar variation 959165 (VCV000959165.9), dbSNP rs1306035279, ClinGen allele CA366735606.

ClinVar aggregate classification (germline): Conflicting classifications of pathogenicity. Review status: criteria provided, conflicting classifications (1 of 4 stars). 3 submissions from 3 submitters: Likely pathogenic (1); Uncertain significance (2). Last evaluated 2026-05-21.

Conditions:
Hereditary nonpolyposis colorectal neoplasms. Identifiers: MedGen C0009405, MeSH D003123.
Hereditary cancer-predisposing syndrome. Also called: Hereditary Cancer Syndrome; Neoplastic Syndromes, Hereditary; Tumor predisposition; Hereditary neoplastic syndrome. Identifiers: Orphanet 140162, MedGen C0027672, MeSH D009386, MONDO:0015356.

Submissions (3):

Ambry Genetics
Classification: Likely pathogenic for Hereditary cancer-predisposing syndrome. Last evaluated: 2026-05-21. Review status: criteria provided, single submitter. Criteria: Ambry Variant Classification Scheme 2023. Collection method: clinical testing. Allele origin: germline.
Comment: The p.A808P variant (also known as c.2422G>C), located in coding exon 14 of the PMS2 gene, results from a G to C substitution at nucleotide position 2422. The alanine at codon 808 is replaced by proline, an amino acid with highly similar properties. This variant has been identified in the homozygous state in individual(s) with features consistent with PMS2-related constitutional mismatch repair deficiency (External communication). This missense variant is located in a region that has a low rate of benign missense variation (Lek M et al. Nature. 2016 Aug 18;536(7616):285-91; DECIPHER: Database of Chromosomal Imbalance and Phenotype in Humans using Ensembl Resources. Firth H.V. et al. 2009. Am.J.Hum.Genet. 84, 524-533 (DOI)). This variant is considered to be rare based on population cohorts in the Genome Aggregation Database (gnomAD). This amino acid position is highly conserved in available vertebrate species. In addition, this alteration is predicted to be deleterious by in silico analysis. Based on the majority of available evidence to date, this variant is likely to be pathogenic.

Labcorp Genetics (formerly Invitae), Labcorp
Classification: Uncertain significance for Hereditary nonpolyposis colorectal neoplasms. Last evaluated: 2022-06-01. Review status: criteria provided, single submitter. Criteria: Invitae Variant Classification Sherloc (09022015). Collection method: clinical testing. Allele origin: germline.
Comment: This sequence change replaces alanine, which is neutral and non-polar, with proline, which is neutral and non-polar, at codon 808 of the PMS2 protein (p.Ala808Pro). The frequency data for this variant in the population databases (gnomAD) is considered unreliable due to the presence of homologous sequence, such as pseudogenes or paralogs, in the genome. This missense change has been observed in individual(s) with clinical features of constitutional mismatch repair deficiency syndrome (Invitae). ClinVar contains an entry for this variant (Variation ID: 959165). Advanced modeling of protein sequence and biophysical properties (such as structural, functional, and spatial information, amino acid conservation, physicochemical variation, residue mobility, and thermodynamic stability) performed at Invitae indicates that this missense variant is expected to disrupt PMS2 protein function. In summary, the available evidence is currently insufficient to determine the role of this variant in disease. Therefore, it has been classified as a Variant of Uncertain Significance.

GeneDx
Classification: Uncertain significance. Last evaluated: 2020-11-24. Review status: criteria provided, single submitter. Criteria: GeneDx Variant Classification Process June 2021. Collection method: clinical testing. Allele origin: germline. Affected: yes.
Comment: Not observed in large population cohorts (Lek 2016); Has not been previously published as pathogenic or benign to our knowledge